The following is an entry in ClinVar:

ClinVar aggregate classification (germline): Uncertain significance. Review status: criteria provided, single submitter (1 of 4 stars). 2 submissions from 2 submitters: Uncertain significance (1). 1 of the submissions does not count toward it. Last evaluated 2018-01-22.

Conditions:
KIFBP-related disorder. Also called: KIFBP-related condition.

Allele frequency attached by ClinVar (database versions not stated): TOPMed 0.00002; gnomAD exomes 0.00001; gnomAD 0.00006.
gnomAD v4.1: 9 of 1,614,070 alleles (0.00056%); highest among the groups gnomAD compares: African/African-American, 0.012%; no homozygotes.

Submissions (2):

Eurofins Ntd Llc (ga)
Classification: Uncertain significance. Last evaluated: 2018-01-22. Review status: criteria provided, single submitter. Criteria: EGL Classification Definitions 2015. Collection method: clinical testing. Allele origin: germline. Observed: 1 variant allele, 1 heterozygote.

PreventionGenetics, part of Exact Sciences
Classification: Likely benign for KIFBP-related condition. Last evaluated: 2019-05-01. Review status: no assertion criteria provided. Collection method: clinical testing. Allele origin: germline. Not counted in ClinVar's aggregate classification.
Comment: This variant is classified as likely benign based on ACMG/AMP sequence variant interpretation guidelines (Richards et al. 2015 PMID: 25741868, with internal and published modifications).

NM_015634.4(KIFBP):c.1314T>G (p.Thr438=)

Gene: KIFBP (kinesin family binding protein; plus strand). Cytogenetic location: 10q22.1.
Variant type: single nucleotide variant.
Coding change: c.1314T>G on transcript NM_015634.4 (MANE Select); coding-DNA position 1314, T replaced by G.
Protein change: p.Thr438=; no amino-acid change (threonine 438 retained).
Molecular consequence: synonymous variant.
Genome position (GRCh38, 1-based): chr10:69,015,864, T>G. VCF-style: chr10-69015864-T-G. GRCh37 (hg19) VCF-style: chr10-70775620-T-G.
Other names: c.1314T>G (NM_015634.3).
Identifiers: ClinVar variation 595602 (VCV000595602.6), dbSNP rs776013730, ClinGen allele CA5529884.
Genomic context (GRCh38, chr10:69,015,864, plus strand): 5'-CCATATTGAAGTTGTCCAAGACCACAGTGCTCTGTTTAAGGTGCTTGCATTCTTTGAAAC[T>G]GACATGGAGAGACGGTGCAAGATGCATAAACGCAGAATAGCCATGCTAGAGCCCCTAACT-3'
Protein context (NP_056449.1, residues 428-448): ALFKVLAFFE[Thr438=]DMERRCKMHK